The following is an entry in ClinVar:

ClinVar aggregate classification (germline): Uncertain significance. Review status: criteria provided, multiple submitters, no conflicts (2 of 4 stars). 3 submissions from 3 submitters: Uncertain significance (3). Last evaluated 2025-12-14.

Conditions:
Hereditary cancer-predisposing syndrome. Also called: Neoplastic Syndromes, Hereditary; Hereditary Cancer Syndrome; Hereditary neoplastic syndrome; Tumor predisposition. Identifiers: Orphanet 140162, MedGen C0027672, MeSH D009386, MONDO:0015356.
Retinoblastoma (RB1). Also called: RETINOBLASTOMA, SOMATIC. Identifiers: Orphanet 790, MedGen C0035335, MeSH D012175, MONDO:0008380, OMIM 180200, HP:0009919. Disease mechanism: loss of function. Inheritance: Both sporadic and heritable forms are tested..

Allele frequency attached by ClinVar (database versions not stated): TOPMed 0.00001.

Submissions (3):

Labcorp Genetics (formerly Invitae), Labcorp
Classification: Uncertain significance for Retinoblastoma. Last evaluated: 2025-12-14. Review status: criteria provided, single submitter. Criteria: Invitae Variant Classification Sherloc (09022015). Collection method: clinical testing. Allele origin: germline.
Comment: This sequence change replaces proline, which is neutral and non-polar, with threonine, which is neutral and polar, at codon 800 of the RB1 protein (p.Pro800Thr). This variant is not present in population databases (gnomAD no frequency). This variant has not been reported in the literature in individuals affected with RB1-related conditions. ClinVar contains an entry for this variant (Variation ID: 2560799). Invitae Evidence Modeling of protein sequence and biophysical properties (such as structural, functional, and spatial information, amino acid conservation, physicochemical variation, residue mobility, and thermodynamic stability) indicates that this missense variant is not expected to disrupt RB1 protein function with a negative predictive value of 80%. In summary, the available evidence is currently insufficient to determine the role of this variant in disease. Therefore, it has been classified as a Variant of Uncertain Significance.

All of Us Research Program, National Institutes of Health
Classification: Uncertain significance for Retinoblastoma. Last evaluated: 2023-06-28. Review status: criteria provided, single submitter. Criteria: ACMG Guidelines, 2015. Collection method: clinical testing. Allele origin: germline. Inheritance: Autosomal dominant inheritance. Observed: 1 variant allele, 1 heterozygote.
Comment: This study involves interpretation of variants in research participants for the purpose of population health screening. Participant phenotype was not available at the time of variant classification. Additional details can be found in publication PMID: 35346344, PMCID: PMC8962531

Ambry Genetics
Classification: Uncertain significance for Hereditary cancer-predisposing syndrome. Last evaluated: 2023-03-31. Review status: criteria provided, single submitter. Criteria: Ambry Variant Classification Scheme 2023. Collection method: clinical testing. Allele origin: germline.
Comment: The p.P800T variant (also known as c.2398C>A), located in coding exon 23 of the RB1 gene, results from a C to A substitution at nucleotide position 2398. The proline at codon 800 is replaced by threonine, an amino acid with highly similar properties. This amino acid position is conserved. In addition, the in silico prediction for this alteration is inconclusive. Since supporting evidence is limited at this time, the clinical significance of this alteration remains unclear.

NM_000321.3(RB1):c.2398C>A (p.Pro800Thr)

Gene: RB1 (RB transcriptional corepressor 1; plus strand). Cytogenetic location: 13q14.2.
Variant type: single nucleotide variant.
Coding change: c.2398C>A on transcript NM_000321.3 (MANE Select); coding-DNA position 2398, C replaced by A.
Protein change: p.Pro800Thr; replaces proline 800 with threonine.
Molecular consequence: missense variant.
Genome position (GRCh38, 1-based): chr13:48,465,277, C>A. VCF-style: chr13-48465277-C-A. GRCh37 (hg19) VCF-style: chr13-49039413-C-A.
Other names: c.2398C>A, p.Pro800Thr (NM_001407165.1); short protein forms P800T.
Identifiers: ClinVar variation 2560799 (VCV002560799.5), dbSNP rs1949432999, ClinGen allele CA388167894.
Genomic context (GRCh38, chr13:48,465,277, plus strand): 5'-TCACCAATACCTCACATTCCTCGAAGCCCTTACAAGTTTCCTAGTTCACCCTTACGGATT[C>A]CTGGAGGGAACATCTATATTTCACCCCTGAAGAGTCCATATAAAATTTCAGAAGGTCTGC-3'
Protein context (NP_000312.2, residues 790-810): YKFPSSPLRI[Pro800Thr]GGNIYISPLK